The following is an entry in ClinVar:

NM_015425.6(POLR1A):c.4540G>A (p.Asp1514Asn)

Gene: POLR1A (RNA polymerase I subunit A; minus strand). Cytogenetic location: 2p11.2.
Variant type: single nucleotide variant.
Coding change: c.4540G>A on transcript NM_015425.6 (MANE Select); coding-DNA position 4540, G replaced by A.
Protein change: p.Asp1514Asn; replaces aspartic acid 1514 with asparagine.
Molecular consequence: missense variant.
Genome position (GRCh38, 1-based): chr2:86,031,368, C>T on the plus strand (G>A on the coding strand, the complement: POLR1A is on the minus strand). VCF-style: chr2-86031368-C-T. GRCh37 (hg19) VCF-style: chr2-86258491-C-T.
Other names: short protein forms D1514N.
Identifiers: ClinVar variation 1904084 (VCV001904084.5), dbSNP rs756319018, ClinGen allele CA51366448.

ClinVar aggregate classification (germline): Uncertain significance (1 of 4 stars; one submission).

Allele frequency attached by ClinVar (database versions not stated): TOPMed below 0.00001; gnomAD exomes 0.00001.
gnomAD v4.1: 18 of 1,592,798 alleles (0.0011%); highest among the groups gnomAD compares: Non-Finnish European, 0.0014%; no homozygotes.

Submission:

Labcorp Genetics (formerly Invitae), Labcorp
Classification: Uncertain significance. Last evaluated: 2022-09-16. Review status: criteria provided, single submitter. Criteria: Invitae Variant Classification Sherloc (09022015). Collection method: clinical testing. Allele origin: germline.
Comment: This sequence change replaces aspartic acid, which is acidic and polar, with asparagine, which is neutral and polar, at codon 1514 of the POLR1A protein (p.Asp1514Asn). This variant is present in population databases (rs756319018, gnomAD 0.0009%). This variant has not been reported in the literature in individuals affected with POLR1A-related conditions. Advanced modeling of protein sequence and biophysical properties (such as structural, functional, and spatial information, amino acid conservation, physicochemical variation, residue mobility, and thermodynamic stability) performed at Invitae indicates that this missense variant is not expected to disrupt POLR1A protein function. In summary, the available evidence is currently insufficient to determine the role of this variant in disease. Therefore, it has been classified as a Variant of Uncertain Significance.